The following is an entry in ClinVar:

ClinVar aggregate classification (germline): Conflicting classifications of pathogenicity. Review status: criteria provided, conflicting classifications (1 of 4 stars). 7 submissions from 7 submitters: Uncertain significance (3); Benign (1); Likely benign (3). Last evaluated 2026-01-15.

Conditions:
Hypokalemic periodic paralysis, type 1. Also called: Hypokalemic Periodic Paralysis Type 1 (AD); HypoPP. Identifiers: Orphanet 681, MedGen C3714580, MONDO:0042979, OMIM 170400.
Thyrotoxic periodic paralysis, susceptibility to, 1 (TTPP1). Identifiers: Orphanet 79102, MedGen C2749982, MONDO:0008570, OMIM 188580.
Congenital myopathy 18. Also called: Myopathy, congenital, due to dihydropyridine receptor defect; DIHYDROPYRIDINE RECEPTOR CONGENITAL MYOPATHY; DHPR CONGENITAL MYOPATHY. Identifiers: MedGen C5830283, MONDO:0859514, OMIM 620246.
Malignant hyperthermia, susceptibility to, 5 (MHS5). Also called: CACNA1S-Related Malignant Hyperthermia Susceptibility. Identifiers: Orphanet 423, MedGen C1866077, MONDO:0011163, OMIM 601887.

Allele frequency attached by ClinVar (database versions not stated): TOPMed 0.00012; gnomAD 0.00018.
gnomAD v4.1: 148 of 1,614,242 alleles (0.0092%); highest among the groups gnomAD compares: East Asian, 0.045%; 1 homozygote.

Submissions (7):

Labcorp Genetics (formerly Invitae), Labcorp
Classification: Benign for Hypokalemic periodic paralysis, type 1; Malignant hyperthermia, susceptibility to, 5. Last evaluated: 2026-01-15. Review status: criteria provided, single submitter. Criteria: Invitae Variant Classification Sherloc (09022015). Collection method: clinical testing. Allele origin: germline.

GeneDx
Classification: Uncertain significance. Last evaluated: 2025-04-16. Review status: criteria provided, single submitter. Criteria: GeneDx Variant Classification Process June 2021. Collection method: clinical testing. Allele origin: germline. Affected: yes.
Comment: In silico analysis supports that this missense variant has a deleterious effect on protein structure/function; Has not been previously published as pathogenic or benign to our knowledge

Mayo Clinic Laboratories, Mayo Clinic
Classification: Uncertain significance. Last evaluated: 2025-01-22. Review status: criteria provided, single submitter. Criteria: ACMG Guidelines, 2015. Collection method: clinical testing. Allele origin: germline. Observed: 1 variant allele.
Comment: PP3

Blueprint Genetics
Classification: Likely benign. Last evaluated: 2024-11-08. Review status: criteria provided, single submitter. Criteria: ACMG Guidelines, 2015. Collection method: clinical testing. Allele origin: germline.

Fulgent Genetics
Classification: Uncertain significance for Hypokalemic periodic paralysis, type 1; Thyrotoxic periodic paralysis, susceptibility to, 1; Malignant hyperthermia, susceptibility to, 5; Congenital myopathy 18. Last evaluated: 2024-05-24. Review status: criteria provided, single submitter. Criteria: ACMG Guidelines, 2015. Collection method: clinical testing. Allele origin: germline.

Color Diagnostics, LLC DBA Color Health
Classification: Likely benign for Malignant hyperthermia, susceptibility to, 5. Last evaluated: 2024-01-29. Review status: criteria provided, single submitter. Criteria: ACMG Guidelines, 2015. Collection method: clinical testing. Allele origin: germline.

Illumina Laboratory Services, Illumina
Classification: Likely benign for Hypokalemic periodic paralysis, type 1. Last evaluated: 2018-01-13. Review status: criteria provided, single submitter. Criteria: ICSL Variant Classification Criteria 13 December 2019. Collection method: clinical testing. Allele origin: germline.
Comment: This variant was observed in the ICSL laboratory as part of a predisposition screen in an ostensibly healthy population. It had not been previously curated by ICSL or reported in the Human Gene Mutation Database (HGMD: prior to June 1st, 2018), and was therefore a candidate for classification through an automated scoring system. Utilizing variant allele frequency, disease prevalence and penetrance estimates, and inheritance mode, an automated score was calculated to assess if this variant is too frequent to cause the disease. Based on the score and internal cut-off values, a variant classified as likely benign is not then subjected to further curation. The score for this variant resulted in a classification of likely benign for this disease.

NM_000069.3(CACNA1S):c.1745G>C (p.Gly582Ala)

Gene: CACNA1S (calcium voltage-gated channel subunit alpha1 S; minus strand). Cytogenetic location: 1q32.1.
Variant type: single nucleotide variant.
Coding change: c.1745G>C on transcript NM_000069.3 (MANE Select); coding-DNA position 1745, G replaced by C.
Protein change: p.Gly582Ala; replaces glycine 582 with alanine.
Molecular consequence: missense variant.
Genome position (GRCh38, 1-based): chr1:201,077,002, C>G on the plus strand (G>C on the coding strand, the complement: CACNA1S is on the minus strand). VCF-style: chr1-201077002-C-G. GRCh37 (hg19) VCF-style: chr1-201046130-C-G.
Other names: p.Gly582Ala; short protein forms G582A.
Identifiers: ClinVar variation 294758 (VCV000294758.18), dbSNP rs377459546, ClinGen allele CA078549.